The following is an entry in ClinVar:

NC_000002.11:g.(?_31558804)_(32481864_?)dup

Genes: NLRC4 (NLR family CARD domain containing 4; minus strand), SLC30A6 (solute carrier family 30 member 6; plus strand), SPAST (spastin; plus strand), MEMO1 (mediator of cell motility 1; minus strand), DPY30 (dpy-30 histone methyltransferase complex regulatory subunit; minus strand) and 2 more. Cytogenetic location: 2p23.1-22.3.
Variant type: Duplication.
Identifiers: ClinVar variation 831367 (VCV000831367.1).

ClinVar aggregate classification (germline): Uncertain significance (1 of 4 stars; one submission).

Conditions:
Periodic fever-infantile enterocolitis-autoinflammatory syndrome. Also called: Autoinflammation with infantile enterocolitis. Identifiers: Orphanet 436166, MedGen C4015067, MONDO:0014472, OMIM 616050.
Familial cold autoinflammatory syndrome 4 (FCAS4). Identifiers: Orphanet 47045, Orphanet 576349, MedGen C4015276, MONDO:0014498, OMIM 616115.

Submission:

Labcorp Genetics (formerly Invitae), Labcorp
Classification: Uncertain significance for Autoinflammation with infantile enterocolitis; Familial cold autoinflammatory syndrome 4. Last evaluated: 2019-07-15. Review status: criteria provided, single submitter. Criteria: Invitae Variant Classification Sherloc (09022015). Collection method: clinical testing. Allele origin: germline.
Comment: This variant results in a copy number gain of the genomic region encompassing the full coding sequence of the NLRC4 gene. The boundaries of this event are unknown as they extend beyond the assayed region for this gene and therefore may encompass additional genes. As the precise location of this event is unknown, it may be in tandem or it may be located elsewhere in the genome. This variant has not been reported in the literature in individuals with NLRC4-related conditions. In summary, the available evidence is currently insufficient to determine the role of this variant in disease. Therefore, it has been classified as a Variant of Uncertain Significance.